The following is an entry in ClinVar:

NM_021098.3(CACNA1H):c.4718G>A (p.Arg1573Gln)

Gene: CACNA1H (calcium voltage-gated channel subunit alpha1 H; plus strand). Cytogenetic location: 16p13.3.
Variant type: single nucleotide variant.
Coding change: c.4718G>A on transcript NM_021098.3 (MANE Select); coding-DNA position 4718, G replaced by A.
Protein change: p.Arg1573Gln; replaces arginine 1573 with glutamine.
Molecular consequence: missense variant.
Genome position (GRCh38, 1-based): chr16:1,212,097, G>A. VCF-style: chr16-1212097-G-A. GRCh37 (hg19) VCF-style: chr16-1262097-G-A.
Other names: c.4718G>A, p.Arg1573Gln (NM_001005407.2); c.4718G>A (NM_021098.2); short protein forms R1573Q.
Identifiers: ClinVar variation 1479125 (VCV001479125.12), dbSNP rs560884609, ClinGen allele CA7801499.

ClinVar aggregate classification (germline): Uncertain significance. Review status: criteria provided, multiple submitters, no conflicts (2 of 4 stars). 4 submissions from 4 submitters: Uncertain significance (4). Last evaluated 2025-10-10.

Conditions:
Hyperaldosteronism, familial, type IV (HALD4). Also called: FH IV; ALDOSTERONISM, PRIMARY, AND HYPERTENSION. Identifiers: Orphanet 642671, MedGen C4310756, MONDO:0014875, OMIM 617027.
Idiopathic generalized epilepsy. Also called: Generalised epilepsy; EIG. Identifiers: MedGen C0270850, MONDO:0005579, OMIM 600669.
Epilepsy, childhood absence, susceptibility to, 6. Identifiers: Orphanet 64280, MedGen C2749872, MONDO:0012763, OMIM 611942.
Inborn genetic diseases. Identifiers: MedGen C0950123, MeSH D030342.

Allele frequency attached by ClinVar (database versions not stated): gnomAD exomes 0.00001; TOPMed 0.00002; ExAC 0.00003; gnomAD 0.00003; 1000 Genomes Project 30x 0.00016; 1000 Genomes Project 0.00020.
gnomAD v4.1: 21 of 1,611,478 alleles (0.0013%); highest among the groups gnomAD compares: Admixed American, 0.0033%; no homozygotes.

Submissions (4):

Labcorp Genetics (formerly Invitae), Labcorp
Classification: Uncertain significance for Idiopathic generalized epilepsy; Hyperaldosteronism, familial, type IV. Last evaluated: 2025-10-10. Review status: criteria provided, single submitter. Criteria: Invitae Variant Classification Sherloc (09022015). Collection method: clinical testing. Allele origin: germline.
Comment: This sequence change replaces arginine, which is basic and polar, with glutamine, which is neutral and polar, at codon 1573 of the CACNA1H protein (p.Arg1573Gln). This variant is present in population databases (rs560884609, gnomAD 0.002%). This variant has not been reported in the literature in individuals affected with CACNA1H-related conditions. ClinVar contains an entry for this variant (Variation ID: 1479125). Invitae Evidence Modeling of protein sequence and biophysical properties (such as structural, functional, and spatial information, amino acid conservation, physicochemical variation, residue mobility, and thermodynamic stability) indicates that this missense variant is not expected to disrupt CACNA1H protein function with a negative predictive value of 80%. In summary, the available evidence is currently insufficient to determine the role of this variant in disease. Therefore, it has been classified as a Variant of Uncertain Significance.

Genomic Medicine Center of Excellence, King Faisal Specialist Hospital and Research Centre
Classification: Uncertain significance for Epilepsy, childhood absence, susceptibility to, 6. Last evaluated: 2024-04-04. Review status: criteria provided, single submitter. Criteria: ACMG Guidelines, 2015. Collection method: clinical testing. Allele origin: germline.

Fulgent Genetics
Classification: Uncertain significance for Epilepsy, childhood absence, susceptibility to, 6; Hyperaldosteronism, familial, type IV. Last evaluated: 2024-03-20. Review status: criteria provided, single submitter. Criteria: ACMG Guidelines, 2015. Collection method: clinical testing. Allele origin: germline.

Ambry Genetics
Classification: Uncertain significance for Inborn genetic diseases. Last evaluated: 2021-12-06. Review status: criteria provided, single submitter. Criteria: Ambry Variant Classification Scheme 2023. Collection method: clinical testing. Allele origin: germline.